The following is an entry in ClinVar:

ClinVar aggregate classification (germline): Likely benign. Review status: criteria provided, multiple submitters, no conflicts (2 of 4 stars). 2 submissions from 2 submitters: Likely benign (2). Last evaluated 2025-04-14.

Conditions:
Melanoma, cutaneous malignant, susceptibility to, 3. Also called: Cutaneous malignant melanoma 3. Identifiers: Orphanet 618, MedGen C1836892, MONDO:0012183, OMIM 609048.
Familial melanoma. Also called: Hereditary melanoma; Hereditary cutaneous melanoma. Identifiers: Orphanet 618, MedGen C1512419, MONDO:0018961.

gnomAD v4.1: 1 of 1,609,320 alleles (0.000062%); highest among the groups gnomAD compares: Non-Finnish European, 0.000085%; no homozygotes.

Submissions (2):

Labcorp Genetics (formerly Invitae), Labcorp
Classification: Likely benign for Familial melanoma. Last evaluated: 2025-04-14. Review status: criteria provided, single submitter. Criteria: Invitae Variant Classification Sherloc (09022015). Collection method: clinical testing. Allele origin: germline.

Myriad Genetics, Inc.
Classification: Likely benign for Melanoma, cutaneous malignant, susceptibility to, 3. Last evaluated: 2024-09-26. Review status: criteria provided, single submitter. Criteria: Myriad Autosomal Dominant, Autosomal Recessive and X-Linked Classification Criteria (2023). Collection method: clinical testing. Allele origin: unknown.
Comment: This variant is considered likely benign. This variant is intronic and is not expected to impact mRNA splicing.

NM_000075.4(CDK4):c.523-13C>T

Gene: CDK4 (cyclin dependent kinase 4; minus strand). Cytogenetic location: 12q14.1.
Variant type: single nucleotide variant.
Coding change: c.523-13C>T on transcript NM_000075.4 (MANE Select); 13 bases into the intron before coding-DNA position 523, C replaced by T.
Molecular consequence: intron variant.
Genome position (GRCh38, 1-based): chr12:57,750,778, G>A on the plus strand (C>T on the coding strand, the complement: CDK4 is on the minus strand). VCF-style: chr12-57750778-G-A. GRCh37 (hg19) VCF-style: chr12-58144561-G-A.
Identifiers: ClinVar variation 3378775 (VCV003378775.2).
Genomic context (GRCh38, chr12:57,750,778, plus strand): 5'-TGTGGACTGCAGAAGAACTTCGGGAGCTCGGTACCAGAGTGTAACAACCTAAAGGGAATA[G>A]GAAGAATGGATGGGGACCCCATGGGTTACCATGAAACACAACTTGCTTGACTGAACACAT-3'